The following is an entry in ClinVar:

ClinVar aggregate classification (germline): Uncertain significance. Review status: criteria provided, multiple submitters, no conflicts (2 of 4 stars). 2 submissions from 2 submitters: Uncertain significance (2). Last evaluated 2026-07-06.

Conditions:
Hereditary cancer-predisposing syndrome. Also called: Hereditary Cancer Syndrome; Hereditary neoplastic syndrome; Neoplastic Syndromes, Hereditary; Tumor predisposition. Identifiers: Orphanet 140162, MedGen C0027672, MeSH D009386, MONDO:0015356.

Submissions (2):

Ambry Genetics
Classification: Uncertain significance for Hereditary cancer-predisposing syndrome. Last evaluated: 2026-07-06. Review status: criteria provided, single submitter. Criteria: Ambry Variant Classification Scheme 2023. Collection method: clinical testing. Allele origin: germline.
Comment: The p.C1727F variant (also known as c.5180G>T), located in coding exon 15 of the APC gene, results from a G to T substitution at nucleotide position 5180. The cysteine at codon 1727 is replaced by phenylalanine, an amino acid with highly dissimilar properties. This amino acid position is conserved. In addition, in silico predictors for this gene do not accurately predict pathogenicity. Based on the available evidence, the clinical significance of this variant remains unclear.

Color Diagnostics, LLC DBA Color Health
Classification: Uncertain significance for Hereditary cancer-predisposing syndrome. Last evaluated: 2025-08-04. Review status: criteria provided, single submitter. Criteria: ACMG Guidelines, 2015. Collection method: clinical testing. Allele origin: germline.
Comment: This missense variant replaces cysteine with phenylalanine at codon 1727 of the APC protein. Computational prediction suggests that this variant may have deleterious impact on protein structure and function. To our knowledge, functional studies have not been reported for this variant. This variant has not been reported in individuals affected with APC-related disorders in the literature. This variant has not been identified in the general population by the Genome Aggregation Database (gnomAD). The available evidence is insufficient to determine the role of this variant in disease conclusively. Therefore, this variant is classified as a Variant of Uncertain Significance.

NM_000038.6(APC):c.5180G>T (p.Cys1727Phe)

Gene: APC (APC regulator of Wnt signaling pathway; plus strand). Cytogenetic location: 5q22.2.
Variant type: single nucleotide variant.
Coding change: c.5180G>T on transcript NM_000038.6 (MANE Select); coding-DNA position 5180, G replaced by T.
Protein change: p.Cys1727Phe; replaces cysteine 1727 with phenylalanine.
Molecular consequence: missense variant. On other transcripts: non-coding transcript variant (2).
Genome position (GRCh38, 1-based): chr5:112,840,774, G>T. VCF-style: chr5-112840774-G-T. GRCh37 (hg19) VCF-style: chr5-112176471-G-T.
Other names: c.5234G>T, p.Cys1745Phe (NM_001354896.2, NM_001407447.1, NM_001407448.1 and 1 more transcripts); c.5210G>T, p.Cys1737Phe (NM_001354897.2); c.5105G>T, p.Cys1702Phe (NM_001354898.2); c.5096G>T, p.Cys1699Phe (NM_001354899.2); c.5057G>T, p.Cys1686Phe (NM_001354900.2); c.5003G>T, p.Cys1668Phe (NM_001354901.2, NM_001407453.1); c.4907G>T, p.Cys1636Phe (NM_001354902.2); c.4877G>T, p.Cys1626Phe (NM_001354903.2, NM_001407458.1, NM_001407459.1 and 1 more transcripts); and 12 more; short protein forms C1343F, C1444F, C1567F, C1598F, C1601F, C1626F, C1636F, C1644F.
Identifiers: ClinVar variation 4758971 (VCV004758971.2).